The following is an entry in ClinVar:

ClinVar aggregate classification (germline): Uncertain significance (1 of 4 stars; one submission).

Conditions:
Bethlem myopathy 1A. Also called: Bethlem myopathy 1; MYOPATHY, BENIGN CONGENITAL, WITH CONTRACTURES; Bethlem Muscular Dystrophy. Identifiers: Orphanet 610, MedGen CN029274, MONDO:0024530, OMIM 158810.

Submission:

Labcorp Genetics (formerly Invitae), Labcorp
Classification: Uncertain significance for Bethlem myopathy 1A. Last evaluated: 2024-10-29. Review status: criteria provided, single submitter. Criteria: Invitae Variant Classification Sherloc (09022015). Collection method: clinical testing. Allele origin: germline.
Comment: This sequence change replaces asparagine, which is neutral and polar, with serine, which is neutral and polar, at codon 1314 of the COL6A3 protein (p.Asn1314Ser). This variant is not present in population databases (gnomAD no frequency). This variant has not been reported in the literature in individuals affected with COL6A3-related conditions. Invitae Evidence Modeling of protein sequence and biophysical properties (such as structural, functional, and spatial information, amino acid conservation, physicochemical variation, residue mobility, and thermodynamic stability) indicates that this missense variant is not expected to disrupt COL6A3 protein function with a negative predictive value of 80%. In summary, the available evidence is currently insufficient to determine the role of this variant in disease. Therefore, it has been classified as a Variant of Uncertain Significance.

NM_004369.4(COL6A3):c.3941A>G (p.Asn1314Ser)

Gene: COL6A3 (collagen type VI alpha 3 chain; minus strand). Cytogenetic location: 2q37.3.
Variant type: single nucleotide variant.
Coding change: c.3941A>G on transcript NM_004369.4 (MANE Select); coding-DNA position 3941, A replaced by G.
Protein change: p.Asn1314Ser; replaces asparagine 1314 with serine.
Molecular consequence: missense variant.
Genome position (GRCh38, 1-based): chr2:237,372,076, T>C on the plus strand (A>G on the coding strand, the complement: COL6A3 is on the minus strand). VCF-style: chr2-237372076-T-C. GRCh37 (hg19) VCF-style: chr2-238280719-T-C.
Other names: c.2720A>G, p.Asn907Ser (NM_057164.5); c.3323A>G, p.Asn1108Ser (NM_057165.5, NM_057167.4); c.2120A>G, p.Asn707Ser (NM_057166.5); short protein forms N1108S, N1314S, N707S, N907S.
Identifiers: ClinVar variation 3638596 (VCV003638596.2).
Genomic context (GRCh38, chr2:237,372,076, plus strand): 5'-TCTTCAATGCGGCTCCCCAGGGGCCTCTTGAAGATGTTCCTGGACACGTACTCCAGGGCA[T>C]TGCCCACGTTGATCTGCCGCCCTCCCTTGGGCCTCAGCCGCTGCACCGCGTTCTGCACTT-3'
Protein context (NP_004360.2, residues 1304-1324): PKGGRQINVG[Asn1314Ser]ALEYVSRNIF